The following is an entry in ClinVar:

NM_001017420.3(ESCO2):c.1460G>C (p.Arg487Thr)

Gene: ESCO2 (establishment of sister chromatid cohesion N-acetyltransferase 2; plus strand). Cytogenetic location: 8p21.1.
Variant type: single nucleotide variant.
Coding change: c.1460G>C on transcript NM_001017420.3 (MANE Select); coding-DNA position 1460, G replaced by C.
Protein change: p.Arg487Thr; replaces arginine 487 with threonine.
Molecular consequence: missense variant.
Genome position (GRCh38, 1-based): chr8:27,792,774, G>C. VCF-style: chr8-27792774-G-C. GRCh37 (hg19) VCF-style: chr8-27650291-G-C.
Other names: c.1460G>C (NM_001017420.2); short protein forms R487T.
Identifiers: ClinVar variation 2418773 (VCV002418773.7), dbSNP rs1219698212, ClinGen allele CA370825715.

ClinVar aggregate classification (germline): Uncertain significance. Review status: criteria provided, single submitter (1 of 4 stars). 2 submissions from 2 submitters: Uncertain significance (1). 1 of the submissions does not count toward it. Last evaluated 2022-11-22.

Conditions:
Roberts-SC phocomelia syndrome (RBS). Also called: ESCO2 Spectrum Disorder; Pseudothalidomide syndrome; Hypomelia hypotrichosis facial hemangioma syndrome; LONG BONE DEFICIENCIES ASSOCIATED WITH CLEFT LIP-PALATE; Appelt-Gerken-Lenz syndrome. Identifiers: Orphanet 3103, MedGen C0392475, MONDO:0100253, OMIM 268300.

Allele frequency attached by ClinVar (database versions not stated): TOPMed below 0.00001; gnomAD 0.00001.
gnomAD v4.1: 1 of 1,607,560 alleles (0.000062%); highest among the groups gnomAD compares: African/African-American, 0.0013%; no homozygotes.

Submissions (2):

Labcorp Genetics (formerly Invitae), Labcorp
Classification: Uncertain significance. Last evaluated: 2022-11-22. Review status: criteria provided, single submitter. Criteria: Invitae Variant Classification Sherloc (09022015). Collection method: clinical testing. Allele origin: germline.
Comment: In summary, the available evidence is currently insufficient to determine the role of this variant in disease. Therefore, it has been classified as a Variant of Uncertain Significance. Algorithms developed to predict the effect of missense changes on protein structure and function (SIFT, PolyPhen-2, Align-GVGD) all suggest that this variant is likely to be tolerated. This variant has not been reported in the literature in individuals affected with ESCO2-related conditions. This variant is not present in population databases (gnomAD no frequency). This sequence change replaces arginine, which is basic and polar, with threonine, which is neutral and polar, at codon 487 of the ESCO2 protein (p.Arg487Thr).

Natera, Inc.
Classification: Uncertain significance for Roberts syndrome. Last evaluated: 2025-05-01. Review status: no assertion criteria provided. Collection method: clinical testing. Allele origin: germline. Not counted in ClinVar's aggregate classification.